The following is an entry in ClinVar:

ClinVar aggregate classification (germline): Conflicting classifications of pathogenicity. Review status: criteria provided, conflicting classifications (1 of 4 stars). 7 submissions from 7 submitters: Uncertain significance (1); Benign (2); Likely benign (4). Last evaluated 2026-01-13.

Conditions:
Inborn genetic diseases. Identifiers: MedGen C0950123, MeSH D030342.
Pitt-Hopkins-like syndrome 2 (PTHSL2). Identifiers: Orphanet 221150, Orphanet 600663, MedGen C3280479, MONDO:0013690, OMIM 614325.

Allele frequency attached by ClinVar (database versions not stated): ExAC 0.00060; gnomAD 0.00065 and 0.00069; gnomAD exomes 0.00088 and 0.00053; ESP Exome Variant Server 0.00042; TOPMed 0.00054.
gnomAD v4.1: 1,356 of 1,611,072 alleles (0.084%); highest among the groups gnomAD compares: Non-Finnish European, 0.1%; 1 homozygote.

Submissions (7):

Labcorp Genetics (formerly Invitae), Labcorp
Classification: Likely benign for Pitt-Hopkins-like syndrome 2. Last evaluated: 2026-01-13. Review status: criteria provided, single submitter. Criteria: Invitae Variant Classification Sherloc (09022015). Collection method: clinical testing. Allele origin: germline.

Blueprint Genetics
Classification: Likely benign. Last evaluated: 2024-10-03. Review status: criteria provided, single submitter. Criteria: ACMG Guidelines, 2015. Collection method: clinical testing. Allele origin: germline.

CeGaT Center for Human Genetics Tuebingen
Classification: Likely benign. Last evaluated: 2024-01-01. Review status: criteria provided, single submitter. Criteria: CeGaT Center For Human Genetics Tuebingen Variant Classification Criteria Version 2. Collection method: clinical testing. Allele origin: germline. Affected: yes. Observed: 5 variant alleles.
Comment: NRXN1: BP4, BP7

Athena Diagnostics
Classification: Benign. Last evaluated: 2019-02-04. Review status: criteria provided, single submitter. Criteria: Athena Diagnostics Criteria. Collection method: clinical testing. Allele origin: germline.

Illumina Laboratory Services, Illumina
Classification: Uncertain significance for Pitt-Hopkins-like syndrome 2. Last evaluated: 2018-01-13. Review status: criteria provided, single submitter. Criteria: ICSL Variant Classification Criteria 13 December 2019. Collection method: clinical testing. Allele origin: germline.

Ambry Genetics
Classification: Likely benign for Inborn genetic diseases. Last evaluated: 2016-12-15. Review status: criteria provided, single submitter. Criteria: Ambry Variant Classification Scheme 2023. Collection method: clinical testing. Allele origin: germline.

GeneDx
Classification: Benign. Last evaluated: 2014-10-16. Review status: criteria provided, single submitter. Criteria: GeneDx Variant Classification (06012015). Collection method: clinical testing. Allele origin: germline. Affected: yes.
Comment: This variant is considered likely benign or benign based on one or more of the following criteria: it is a conservative change, it occurs at a poorly conserved position in the protein, it is predicted to be benign by multiple in silico algorithms, and/or has population frequency not consistent with disease.

NM_001330078.2(NRXN1):c.3201C>T (p.Ser1067=)

Gene: NRXN1 (neurexin 1; minus strand). Cytogenetic location: 2p16.3.
Variant type: single nucleotide variant.
Coding change: c.3201C>T on transcript NM_001330078.2 (MANE Select); coding-DNA position 3201, C replaced by T.
Protein change: p.Ser1067=; no amino-acid change (serine 1067 retained).
Molecular consequence: synonymous variant.
Genome position (GRCh38, 1-based): chr2:50,472,341, G>A on the plus strand (C>T on the coding strand, the complement: NRXN1 is on the minus strand). VCF-style: chr2-50472341-G-A. GRCh37 (hg19) VCF-style: chr2-50699479-G-A.
Other names: p.S1107S:TCC>TCT; c.3321C>T, p.Ser1107= (NM_001135659.3); c.3177C>T, p.Ser1059= (NM_001330077.2, NM_001330082.2); c.3135C>T, p.Ser1045= (NM_001330083.2, NM_001330084.2); c.3174C>T, p.Ser1058= (NM_001330085.2); c.3201C>T, p.Ser1067= (NM_001330086.2, NM_004801.6); c.3090C>T, p.Ser1030= (NM_001330087.2, NM_001330096.2); c.3120C>T, p.Ser1040= (NM_001330088.2); and 3 more.
Identifiers: ClinVar variation 206208 (VCV000206208.62), dbSNP rs75275592, ClinGen allele CA316067.